The following is an entry in ClinVar:

NM_015338.6(ASXL1):c.4375A>G (p.Ser1459Gly)

Gene: ASXL1 (ASXL transcriptional regulator 1; plus strand). Cytogenetic location: 20q11.21.
Variant type: single nucleotide variant.
Coding change: c.4375A>G on transcript NM_015338.6 (MANE Select); coding-DNA position 4375, A replaced by G.
Protein change: p.Ser1459Gly; replaces serine 1459 with glycine.
Molecular consequence: missense variant.
Genome position (GRCh38, 1-based): chr20:32,437,087, A>G. VCF-style: chr20-32437087-A-G. GRCh37 (hg19) VCF-style: chr20-31024890-A-G.
Other names: c.4192A>G, p.Ser1398Gly (NM_001363734.1); short protein forms S1398G, S1459G.
Identifiers: ClinVar variation 3660812 (VCV003660812.2).
Genomic context (GRCh38, chr20:32,437,087, plus strand): 5'-GCATTTTATGGGAAGCTTTCTAAACTCCAACTGAGTTCCACCAGCTTTAATTATTCCTCT[A>G]GCTCTCCCACCTTTCCCAAAGGCCTTGCTGGAAGTGTGGTGCAGCTGAGCCACAAAGCAA-3'
Protein context (NP_056153.2, residues 1449-1469): LSSTSFNYSS[Ser1459Gly]SPTFPKGLAG

ClinVar aggregate classification (germline): Uncertain significance (1 of 4 stars; one submission).

gnomAD v4.1: 2 of 1,614,014 alleles (0.00012%); highest among the groups gnomAD compares: Non-Finnish European, 0.00017%; no homozygotes.

Submission:

Labcorp Genetics (formerly Invitae), Labcorp
Classification: Uncertain significance. Last evaluated: 2024-10-10. Review status: criteria provided, single submitter. Criteria: Invitae Variant Classification Sherloc (09022015). Collection method: clinical testing. Allele origin: germline.
Comment: This sequence change replaces serine, which is neutral and polar, with glycine, which is neutral and non-polar, at codon 1459 of the ASXL1 protein (p.Ser1459Gly). This variant is present in population databases (no rsID available, gnomAD 0.007%). This variant has not been reported in the literature in individuals affected with ASXL1-related conditions. An algorithm developed to predict the effect of missense changes on protein structure and function outputs the following: PolyPhen-2: "Benign". The glycine amino acid residue is found in multiple mammalian species, which suggests that this missense change does not adversely affect protein function. In summary, the available evidence is currently insufficient to determine the role of this variant in disease. Therefore, it has been classified as a Variant of Uncertain Significance.